The following is an entry in ClinVar:

NM_004655.4(AXIN2):c.1849C>T (p.Gln617Ter)

Gene: AXIN2 (axin 2; minus strand). Cytogenetic location: 17q24.1.
Variant type: single nucleotide variant.
Coding change: c.1849C>T on transcript NM_004655.4 (MANE Select); coding-DNA position 1849, C replaced by T.
Protein change: p.Gln617Ter; replaces glutamine 617 with a stop codon.
Molecular consequence: nonsense. On other transcripts: intron variant (1).
Genome position (GRCh38, 1-based): chr17:65,536,927, G>A on the plus strand (C>T on the coding strand, the complement: AXIN2 is on the minus strand). VCF-style: chr17-65536927-G-A. GRCh37 (hg19) VCF-style: chr17-63533045-G-A.
Other names: c.1713-374C>T (NM_001363813.1); short protein forms Q617*.
Identifiers: ClinVar variation 1490447 (VCV001490447.9), dbSNP rs2043932592, ClinGen allele CA400676501.

ClinVar aggregate classification (germline): Uncertain significance. Review status: criteria provided, multiple submitters, no conflicts (2 of 4 stars). 2 submissions from 2 submitters: Uncertain significance (2). Last evaluated 2023-12-29.

Conditions:
Colorectal cancer. Also called: Colorectal cancer, somatic; Malignant Colorectal Neoplasm. Identifiers: MedGen C0346629, MONDO:0005575, OMIM 114500.
Oligodontia-cancer predisposition syndrome. Also called: TOOTH AGENESIS-COLORECTAL CANCER SYNDROME. Identifiers: Orphanet 300576, MedGen C1837750, MONDO:0012075, OMIM 608615. Disease mechanism: loss of function.

Allele frequency attached by ClinVar (database versions not stated): TOPMed below 0.00001.

Submissions (2):

Baylor Genetics
Classification: Uncertain significance for Colorectal cancer. Last evaluated: 2023-12-29. Review status: criteria provided, single submitter. Criteria: ACMG Guidelines, 2015. Collection method: clinical testing. Allele origin: unknown.

Labcorp Genetics (formerly Invitae), Labcorp
Classification: Uncertain significance for Oligodontia-cancer predisposition syndrome. Last evaluated: 2023-11-04. Review status: criteria provided, single submitter. Criteria: Invitae Variant Classification Sherloc (09022015). Collection method: clinical testing. Allele origin: germline.
Comment: This sequence change creates a premature translational stop signal (p.Gln617*) in the AXIN2 gene. Loss-of-function variants in AXIN2 are known to be pathogenic (PMID: 21416598, 15042511). However, tissue-specific alternative splicing of AXIN2 gene results in functional isoform lacking in-frame exon 7 (also known as exon 6, PMID: 15735151). For this reason the clinical significance of loss of function variants in exon 7 is currently uncertain. This variant is not present in population databases (gnomAD no frequency). This variant has not been reported in the literature in individuals affected with AXIN2-related conditions. ClinVar contains an entry for this variant (Variation ID: 1490447). RNA analysis performed to evaluate the impact of this premature translational stop signal on mRNA splicing indicates it does not significantly alter splicing (Invitae). In summary, the available evidence is currently insufficient to determine the role of this variant in disease. Therefore, it has been classified as a Variant of Uncertain Significance.

Literature cited by the submitters: PubMed 21416598 (cited by Labcorp Genetics (formerly Invitae), Labcorp); PubMed 15042511 (cited by Labcorp Genetics (formerly Invitae), Labcorp).